The following is an entry in ClinVar:

NM_001142800.2(EYS):c.7501A>G (p.Arg2501Gly)

Gene: EYS (eyes shut homolog; minus strand). Cytogenetic location: 6q12.
Variant type: single nucleotide variant.
Coding change: c.7501A>G on transcript NM_001142800.2 (MANE Select); coding-DNA position 7501, A replaced by G.
Protein change: p.Arg2501Gly; replaces arginine 2501 with glycine.
Molecular consequence: missense variant.
Genome position (GRCh38, 1-based): chr6:63,789,135, T>C on the plus strand (A>G on the coding strand, the complement: EYS is on the minus strand). VCF-style: chr6-63789135-T-C. GRCh37 (hg19) VCF-style: chr6-64499028-T-C.
Other names: c.7501A>G, p.Arg2501Gly (NM_001292009.2); short protein forms R2501G.
Identifiers: ClinVar variation 2160806 (VCV002160806.1), dbSNP rs1220416565, ClinGen allele CA364385819.
Genomic context (GRCh38, chr6:63,789,135, plus strand): 5'-GGAAGAACTTGCCCAGATGAACAGTGTGGACTCCAAGGCTCAGATTGAGGGGCTCGCTCC[T>C]GATGCTTGCTATGCCAGACCCCAGGTTATAACTATAAACCACACTGCCATTGAGCAGGCC-3'
Protein context (NP_001136272.1, residues 2491-2511): YNLGSGIASI[Arg2501Gly]SEPLNLSLGV

ClinVar aggregate classification (germline): Uncertain significance (1 of 4 stars; one submission).

Allele frequency attached by ClinVar (database versions not stated): gnomAD exomes 0.00001; TOPMed 0.00002.
gnomAD v4.1: 4 of 1,551,738 alleles (0.00026%); highest among the groups gnomAD compares: Admixed American, 0.0078%; no homozygotes.

Submission:

Labcorp Genetics (formerly Invitae), Labcorp
Classification: Uncertain significance. Last evaluated: 2022-04-15. Review status: criteria provided, single submitter. Criteria: Invitae Variant Classification Sherloc (09022015). Collection method: clinical testing. Allele origin: germline.
Comment: This sequence change replaces arginine, which is basic and polar, with glycine, which is neutral and non-polar, at codon 2501 of the EYS protein (p.Arg2501Gly). This variant is present in population databases (no rsID available, gnomAD 0.02%). This variant has not been reported in the literature in individuals affected with EYS-related conditions. Algorithms developed to predict the effect of missense changes on protein structure and function (SIFT, PolyPhen-2, Align-GVGD) all suggest that this variant is likely to be tolerated. In summary, the available evidence is currently insufficient to determine the role of this variant in disease. Therefore, it has been classified as a Variant of Uncertain Significance.